The following is an entry in ClinVar:

ClinVar aggregate classification (germline): Uncertain significance (1 of 4 stars; one submission).

Submission:

GeneDx
Classification: Uncertain significance. Last evaluated: 2026-02-01. Review status: criteria provided, single submitter. Criteria: GeneDx Variant Classification Process June 2021. Collection method: clinical testing. Allele origin: germline.
Comment: Not observed at significant frequency in large population cohorts (gnomAD); In silico analysis supports that this missense variant has a deleterious effect on protein structure/function; Has not been previously published as pathogenic or benign to our knowledge

NM_003239.5(TGFB3):c.455G>T (p.Arg152Leu)

Gene: TGFB3 (transforming growth factor beta 3; minus strand). Cytogenetic location: 14q24.3.
Variant type: single nucleotide variant.
Coding change: c.455G>T on transcript NM_003239.5 (MANE Select); coding-DNA position 455, G replaced by T.
Protein change: p.Arg152Leu; replaces arginine 152 with leucine.
Molecular consequence: missense variant.
Genome position (GRCh38, 1-based): chr14:75,971,616, C>A on the plus strand (G>T on the coding strand, the complement: TGFB3 is on the minus strand). VCF-style: chr14-75971616-C-A. GRCh37 (hg19) VCF-style: chr14-76437959-C-A.
Other names: c.455G>T, p.Arg152Leu (NM_001329938.2, NM_001329939.2); short protein forms R152L.
Identifiers: ClinVar variation 4888109 (VCV004888109.1).